The following is an entry in ClinVar:

NM_015338.6(ASXL1):c.2023C>T (p.Pro675Ser)

Gene: ASXL1 (ASXL transcriptional regulator 1; plus strand). Cytogenetic location: 20q11.21.
Variant type: single nucleotide variant.
Coding change: c.2023C>T on transcript NM_015338.6 (MANE Select); coding-DNA position 2023, C replaced by T.
Protein change: p.Pro675Ser; replaces proline 675 with serine.
Molecular consequence: missense variant.
Genome position (GRCh38, 1-based): chr20:32,434,735, C>T. VCF-style: chr20-32434735-C-T. GRCh37 (hg19) VCF-style: chr20-31022538-C-T.
Other names: c.1840C>T, p.Pro614Ser (NM_001363734.1); short protein forms P614S, P675S.
Identifiers: ClinVar variation 5030541 (VCV005030541.1).

ClinVar aggregate classification (germline): Uncertain significance (1 of 4 stars; one submission).

Conditions:
Inborn genetic diseases. Identifiers: MedGen C0950123, MeSH D030342.

gnomAD v4.1: 1 of 1,612,684 alleles (0.000062%); highest among the groups gnomAD compares: Non-Finnish European, 0.000085%; no homozygotes.

Submission:

Ambry Genetics
Classification: Uncertain significance for Inborn genetic diseases. Last evaluated: 2026-09-07. Review status: criteria provided, single submitter. Criteria: Ambry Variant Classification Scheme 2023. Collection method: clinical testing. Allele origin: germline.
Comment: The p.P675S variant (also known as c.2023C>T), located in coding exon 13 of the ASXL1 gene, results from a C to T substitution at nucleotide position 2023. The proline at codon 675 is replaced by serine, an amino acid with similar properties. This amino acid position is conserved. In addition, this alteration is predicted to be tolerated by in silico analysis. Based on the available evidence, the clinical significance of this variant remains unclear.